The following is an entry in ClinVar:

ClinVar aggregate classification (germline): Likely benign. Review status: criteria provided, multiple submitters, no conflicts (2 of 4 stars). 3 submissions from 3 submitters: Likely benign (2). 1 of the submissions does not count toward it. Last evaluated 2025-12-19.

Conditions:
DOCK6-related disorder. Also called: DOCK6-related condition.

Allele frequency attached by ClinVar (database versions not stated): gnomAD exomes 0.00007 and 0.00010; ExAC 0.00008; TOPMed 0.00026; gnomAD 0.00027.
gnomAD v4.1: 137 of 1,613,252 alleles (0.0085%); highest among the groups gnomAD compares: Middle Eastern, 0.15%; 1 homozygote.

Submissions (3):

Labcorp Genetics (formerly Invitae), Labcorp
Classification: Likely benign. Last evaluated: 2025-12-19. Review status: criteria provided, single submitter. Criteria: Invitae Variant Classification Sherloc (09022015). Collection method: clinical testing. Allele origin: germline.

Blueprint Genetics
Classification: Likely benign. Last evaluated: 2024-07-25. Review status: criteria provided, single submitter. Criteria: ACMG Guidelines, 2015. Collection method: clinical testing. Allele origin: germline.

PreventionGenetics, part of Exact Sciences
Classification: Likely benign for DOCK6-related condition. Last evaluated: 2022-01-07. Review status: no assertion criteria provided. Collection method: clinical testing. Allele origin: germline. Not counted in ClinVar's aggregate classification.
Comment: This variant is classified as likely benign based on ACMG/AMP sequence variant interpretation guidelines (Richards et al. 2015 PMID: 25741868, with internal and published modifications).

NM_020812.4(DOCK6):c.3486C>T (p.Ala1162=)

Gene: DOCK6 (dedicator of cytokinesis 6; minus strand). Cytogenetic location: 19p13.2.
Variant type: single nucleotide variant.
Coding change: c.3486C>T on transcript NM_020812.4 (MANE Select); coding-DNA position 3486, C replaced by T.
Protein change: p.Ala1162=; no amino-acid change (alanine 1162 retained).
Molecular consequence: synonymous variant.
Genome position (GRCh38, 1-based): chr19:11,221,915, G>A on the plus strand (C>T on the coding strand, the complement: DOCK6 is on the minus strand). VCF-style: chr19-11221915-G-A. GRCh37 (hg19) VCF-style: chr19-11332591-G-A.
Other names: c.3591C>T, p.Ala1197= (NM_001367830.1).
Identifiers: ClinVar variation 722635 (VCV000722635.10), dbSNP rs751199918, ClinGen allele CA9207244.
Genomic context (GRCh38, chr19:11,221,915, plus strand): 5'-AAAGTCATGCAGCCGTGGCAAGGTATCCCGTGCAATCGATAGCAGTGGCAGGTACAGCTC[G>A]GCCACACGAGCCTTCACAGTGGCCTCGGCGTAGCGGGGGTCAGTGTCATGGCCACATAGC-3'
Protein context (NP_065863.2, residues 1152-1172): YAEATVKARV[Ala1162=]ELYLPLLSIA